The following is an entry in ClinVar:

NM_021800.3(DNAJC12):c.252G>A (p.Ser84=)

Gene: DNAJC12 (DnaJ heat shock protein family (Hsp40) member C12; minus strand). Cytogenetic location: 10q21.3.
Variant type: single nucleotide variant.
Coding change: c.252G>A on transcript NM_021800.3 (MANE Select); coding-DNA position 252, G replaced by A.
Protein change: p.Ser84=; no amino-acid change (serine 84 retained).
Molecular consequence: synonymous variant.
Genome position (GRCh38, 1-based): chr10:67,811,569, C>T on the plus strand (G>A on the coding strand, the complement: DNAJC12 is on the minus strand). VCF-style: chr10-67811569-C-T. GRCh37 (hg19) VCF-style: chr10-69571327-C-T.
Other names: c.252G>A, p.Ser84= (NM_201262.2).
Identifiers: ClinVar variation 1560396 (VCV001560396.27), dbSNP rs202186686, ClinGen allele CA5520864.
Genomic context (GRCh38, chr10:67,811,569, plus strand): 5'-CAGCGAGAAACCCACCGTCTTCACTGAGTCATTCAAAGCTTCCCACTGCTGGAATGGCAT[C>T]GACATCTGGCTCCTTCGCCAGTGGTCATAGCGGGCTCGACTCTCTTCATTGGTCAGAATC-3'
Protein context (NP_068572.1, residues 74-94): RYDHWRRSQM[Ser84=]MPFQQWEALN

ClinVar aggregate classification (germline): Likely benign. Review status: criteria provided, multiple submitters, no conflicts (2 of 4 stars). 2 submissions from 2 submitters: Likely benign (2). Last evaluated 2024-12-18.

Allele frequency attached by ClinVar (database versions not stated): ESP Exome Variant Server 0.00015.
gnomAD v4.1: 136 of 1,614,080 alleles (0.0084%); highest among the groups gnomAD compares: Non-Finnish European, 0.01%; no homozygotes.

Submissions (2):

Labcorp Genetics (formerly Invitae), Labcorp
Classification: Likely benign. Last evaluated: 2024-12-18. Review status: criteria provided, single submitter. Criteria: Invitae Variant Classification Sherloc (09022015). Collection method: clinical testing. Allele origin: germline.

CeGaT Center for Human Genetics Tuebingen
Classification: Likely benign. Last evaluated: 2024-05-01. Review status: criteria provided, single submitter. Criteria: CeGaT Center For Human Genetics Tuebingen Variant Classification Criteria Version 2. Collection method: clinical testing. Allele origin: germline. Affected: yes. Observed: 1 variant allele.
Comment: DNAJC12: BP4, BP7